The following is an entry in ClinVar:

ClinVar aggregate classification (germline): Uncertain significance (1 of 4 stars; one submission).

Conditions:
Anauxetic dysplasia. Identifiers: Orphanet 93347, MedGen C1846796, MONDO:0011773.

Allele frequency attached by ClinVar (database versions not stated): gnomAD 0.00001; TOPMed 0.00003.

Submission:

Labcorp Genetics (formerly Invitae), Labcorp
Classification: Uncertain significance for Anauxetic dysplasia. Last evaluated: 2025-08-12. Review status: criteria provided, single submitter. Criteria: Invitae Variant Classification Sherloc (09022015). Collection method: clinical testing. Allele origin: germline.
Comment: This variant occurs in the RMRP gene, which encodes an RNA molecule that does not result in a protein product. This variant is not present in population databases (gnomAD no frequency). This variant has not been reported in the literature in individuals affected with RMRP-related conditions. Experimental studies and prediction algorithms are not available or were not evaluated, and the functional significance of this variant is currently unknown. In summary, the available evidence is currently insufficient to determine the role of this variant in disease. Therefore, it has been classified as a Variant of Uncertain Significance.

NC_000009.12:g.35658112A>G

Gene: RMRP (RNA component of mitochondrial RNA processing endoribonuclease; minus strand). Cytogenetic location: 9p13.3.
Variant type: single nucleotide variant.
Genome position: GRCh38 VCF-style: chr9-35658112-A-G. GRCh37 (hg19) VCF-style: chr9-35658109-A-G.
Identifiers: ClinVar variation 2201753 (VCV002201753.2), dbSNP rs1484349571, ClinGen allele CA863579146.